The following is an entry in ClinVar:

NM_005733.3(KIF20A):c.334C>T (p.Arg112Trp)

Gene: KIF20A (kinesin family member 20A; plus strand). Cytogenetic location: 5q31.2.
Variant type: single nucleotide variant.
Coding change: c.334C>T on transcript NM_005733.3 (MANE Select); coding-DNA position 334, C replaced by T.
Protein change: p.Arg112Trp; replaces arginine 112 with tryptophan.
Molecular consequence: missense variant.
Genome position (GRCh38, 1-based): chr5:138,181,687, C>T. VCF-style: chr5-138181687-C-T. GRCh37 (hg19) VCF-style: chr5-137517376-C-T.
Other names: short protein forms R112W.
Identifiers: ClinVar variation 2969960 (VCV002969960.3), dbSNP rs765848371, ClinGen allele CA3426280.
Genomic context (GRCh38, chr5:138,181,687, plus strand): 5'-AATGTGGAGACCCTTGTTCTACAAGCACCCAAGGACTCTTTTGCCCTGAAGAGCAATGAA[C>T]GGGGAATTGGCCAAGCCACACACAGGTTCACCTTTTCCCAGGTATGGAGGGTACTGGTTT-3'
Protein context (NP_005724.1, residues 102-122): KDSFALKSNE[Arg112Trp]GIGQATHRFT

ClinVar aggregate classification (germline): Uncertain significance (1 of 4 stars; one submission).

Allele frequency attached by ClinVar (database versions not stated): ExAC 0.00002; gnomAD 0.00002.

Submission:

Labcorp Genetics (formerly Invitae), Labcorp
Classification: Uncertain significance. Last evaluated: 2024-08-29. Review status: criteria provided, single submitter. Criteria: Invitae Variant Classification Sherloc (09022015). Collection method: clinical testing. Allele origin: germline.
Comment: This sequence change replaces arginine, which is basic and polar, with tryptophan, which is neutral and slightly polar, at codon 112 of the KIF20A protein (p.Arg112Trp). This variant is present in population databases (rs765848371, gnomAD 0.02%). This variant has not been reported in the literature in individuals affected with KIF20A-related conditions. An algorithm developed to predict the effect of missense changes on protein structure and function (PolyPhen-2) suggests that this variant is likely to be disruptive. In summary, the available evidence is currently insufficient to determine the role of this variant in disease. Therefore, it has been classified as a Variant of Uncertain Significance.